The following is an entry in ClinVar:

NM_014334.4(FRRS1L):c.244C>G (p.Pro82Ala)

Gene: FRRS1L (ferric chelate reductase 1 like; minus strand). Cytogenetic location: 9q31.3.
Variant type: single nucleotide variant.
Coding change: c.244C>G on transcript NM_014334.4 (MANE Select); coding-DNA position 244, C replaced by G.
Protein change: p.Pro82Ala; replaces proline 82 with alanine.
Molecular consequence: missense variant.
Genome position (GRCh38, 1-based): chr9:109,149,715, G>C on the plus strand (C>G on the coding strand, the complement: FRRS1L is on the minus strand). VCF-style: chr9-109149715-G-C. GRCh37 (hg19) VCF-style: chr9-111911995-G-C.
Other names: short protein forms P82A.
Identifiers: ClinVar variation 2041632 (VCV002041632.1), dbSNP rs761224976, ClinGen allele CA5177474.

ClinVar aggregate classification (germline): Uncertain significance (1 of 4 stars; one submission).

Conditions:
Developmental and epileptic encephalopathy, 37 (DEE37). Also called: Epileptic encephalopathy, early infantile, 37. Identifiers: MedGen C4310770, MONDO:0014859, OMIM 616981.

Allele frequency attached by ClinVar (database versions not stated): TOPMed below 0.00001; ExAC 0.00001; gnomAD 0.00001; gnomAD exomes 0.00001.
gnomAD v4.1: 14 of 1,608,966 alleles (0.00087%); highest among the groups gnomAD compares: Admixed American, 0.0017%; no homozygotes.

Submission:

Labcorp Genetics (formerly Invitae), Labcorp
Classification: Uncertain significance for Developmental and epileptic encephalopathy, 37. Last evaluated: 2022-04-30. Review status: criteria provided, single submitter. Criteria: Invitae Variant Classification Sherloc (09022015). Collection method: clinical testing. Allele origin: germline.
Comment: This sequence change replaces proline, which is neutral and non-polar, with alanine, which is neutral and non-polar, at codon 133 of the FRRS1L protein (p.Pro133Ala). This variant is present in population databases (rs761224976, gnomAD 0.003%). This variant has not been reported in the literature in individuals affected with FRRS1L-related conditions. Algorithms developed to predict the effect of missense changes on protein structure and function (SIFT, PolyPhen-2, Align-GVGD) all suggest that this variant is likely to be tolerated. Algorithms developed to predict the effect of sequence changes on RNA splicing suggest that this variant may create or strengthen a splice site. In summary, the available evidence is currently insufficient to determine the role of this variant in disease. Therefore, it has been classified as a Variant of Uncertain Significance.